The following is an entry in ClinVar:

ClinVar aggregate classification (germline): Benign/Likely benign. Review status: criteria provided, multiple submitters, no conflicts (2 of 4 stars). 3 submissions from 3 submitters: Benign (1); Likely benign (1). 1 of the submissions does not count toward it. Last evaluated 2025-08-18.

Conditions:
CHMP4B-related disorder. Also called: CHMP4B-related condition.
Cataract 31 multiple types (CTRCT31). Also called: CATARACT 31, POSTERIOR POLAR. Identifiers: Orphanet 91492, MedGen C1854311, MONDO:0011547, OMIM 605387.

Allele frequency attached by ClinVar (database versions not stated): gnomAD 0.00006 and 0.00015; 1000 Genomes Project 0.00040; gnomAD exomes 0.00056 and 0.00033; ESP Exome Variant Server 0.00008; TOPMed 0.00009; ExAC 0.00063; 1000 Genomes Project 30x 0.00062.
gnomAD v4.1: 510 of 1,614,094 alleles (0.032%); highest among the groups gnomAD compares: Middle Eastern, 0.37%; 5 homozygotes.

Submissions (3):

Genomic Medicine Center of Excellence, King Faisal Specialist Hospital and Research Centre
Classification: Likely benign. Last evaluated: 2025-08-18. Review status: criteria provided, single submitter. Criteria: ACMG Guidelines, 2015. Collection method: clinical testing. Allele origin: germline.

Labcorp Genetics (formerly Invitae), Labcorp
Classification: Benign for Cataract 31 multiple types. Last evaluated: 2018-07-31. Review status: criteria provided, single submitter. Criteria: Invitae Variant Classification Sherloc (09022015). Collection method: clinical testing. Allele origin: germline.

PreventionGenetics, part of Exact Sciences
Classification: Likely benign for CHMP4B-related condition. Last evaluated: 2021-10-22. Review status: no assertion criteria provided. Collection method: clinical testing. Allele origin: germline. Not counted in ClinVar's aggregate classification.
Comment: This variant is classified as likely benign based on ACMG/AMP sequence variant interpretation guidelines (Richards et al. 2015 PMID: 25741868, with internal and published modifications).

NM_176812.5(CHMP4B):c.191-5C>T

Gene: CHMP4B (charged multivesicular body protein 4B; plus strand). Cytogenetic location: 20q11.22.
Variant type: single nucleotide variant.
Coding change: c.191-5C>T on transcript NM_176812.5 (MANE Select); 5 bases into the intron before coding-DNA position 191, C replaced by T.
Molecular consequence: intron variant.
Genome position (GRCh38, 1-based): chr20:33,848,462, C>T. VCF-style: chr20-33848462-C-T. GRCh37 (hg19) VCF-style: chr20-32436268-C-T.
Identifiers: ClinVar variation 772436 (VCV000772436.12), dbSNP rs377095745, ClinGen allele CA9819896.